The following is an entry in ClinVar:

NM_138713.4(NFAT5):c.2589G>A (p.Met863Ile)

Gene: NFAT5 (nuclear factor of activated T cells 5; plus strand). Cytogenetic location: 16q22.1.
Variant type: single nucleotide variant.
Coding change: c.2589G>A on transcript NM_138713.4 (MANE Select); coding-DNA position 2589, G replaced by A.
Protein change: p.Met863Ile; replaces methionine 863 with isoleucine.
Molecular consequence: missense variant.
Genome position (GRCh38, 1-based): chr16:69,692,414, G>A. VCF-style: chr16-69692414-G-A. GRCh37 (hg19) VCF-style: chr16-69726317-G-A.
Other names: c.2586G>A, p.Met862Ile (NM_001113178.3); c.1914G>A, p.Met638Ile (NM_001367709.1); c.2535G>A, p.Met845Ile (NM_006599.4); c.2307G>A, p.Met769Ile (NM_138714.4, NM_173214.3, NM_173215.3); short protein forms M638I, M863I, M769I, M862I, M845I.
Identifiers: ClinVar variation 2193440 (VCV002193440.4), dbSNP rs1391814950, ClinGen allele CA396510316.

ClinVar aggregate classification (germline): Uncertain significance (1 of 4 stars; one submission).

Conditions:
Immunodeficiency. Identifiers: MedGen C0021051, MONDO:0021094, HP:0002721.

Allele frequency attached by ClinVar (database versions not stated): gnomAD exomes below 0.00001; gnomAD 0.00001; TOPMed 0.00001.
gnomAD v4.1: 4 of 1,614,066 alleles (0.00025%); highest among the groups gnomAD compares: Non-Finnish European, 0.00034%; no homozygotes.

Submission:

Labcorp Genetics (formerly Invitae), Labcorp
Classification: Uncertain significance for Immunodeficiency. Last evaluated: 2023-11-01. Review status: criteria provided, single submitter. Criteria: Invitae Variant Classification Sherloc (09022015). Collection method: clinical testing. Allele origin: germline.
Comment: This sequence change replaces methionine, which is neutral and non-polar, with isoleucine, which is neutral and non-polar, at codon 769 of the NFAT5 protein (p.Met769Ile). This variant is not present in population databases (gnomAD no frequency). This variant has not been reported in the literature in individuals affected with NFAT5-related conditions. ClinVar contains an entry for this variant (Variation ID: 2193440). Algorithms developed to predict the effect of missense changes on protein structure and function output the following: SIFT: "Not Available"; PolyPhen-2: "Benign"; Align-GVGD: "Not Available". The isoleucine amino acid residue is found in multiple mammalian species, which suggests that this missense change does not adversely affect protein function. In summary, the available evidence is currently insufficient to determine the role of this variant in disease. Therefore, it has been classified as a Variant of Uncertain Significance.